The following is an entry in ClinVar:

NM_013266.4(CTNNA3):c.673T>G (p.Cys225Gly)

Gene: CTNNA3 (catenin alpha 3; minus strand). Cytogenetic location: 10q21.3.
Variant type: single nucleotide variant.
Coding change: c.673T>G on transcript NM_013266.4 (MANE Select); coding-DNA position 673, T replaced by G.
Protein change: p.Cys225Gly; replaces cysteine 225 with glycine.
Molecular consequence: missense variant.
Genome position (GRCh38, 1-based): chr10:67,219,777, A>C on the plus strand (T>G on the coding strand, the complement: CTNNA3 is on the minus strand). VCF-style: chr10-67219777-A-C. GRCh37 (hg19) VCF-style: chr10-68979535-A-C.
Other names: c.673T>G, p.Cys225Gly (NM_001127384.3); c.709T>G, p.Cys237Gly (NM_001291133.2); short protein forms C237G, C225G.
Identifiers: ClinVar variation 4740652 (VCV004740652.1).
Genomic context (GRCh38, chr10:67,219,777, plus strand): 5'-TTTCTTCACAAACTGTGTCCTTGCTTGCTTTGAGGGAAGCAACATCAGAATGCTCCAAAC[A>C]AGCTGAACAAATTGAATGCAAGAGGGGAGAGTTCTCCTTCAGTGAAGCTCGGGCTCCTGC-3'
Protein context (NP_037398.2, residues 215-235): SPLLHSICSA[Cys225Gly]LEHSDVASLK

ClinVar aggregate classification (germline): Uncertain significance (1 of 4 stars; one submission).

Conditions:
Arrhythmogenic right ventricular dysplasia 13. Also called: Arrhythmogenic right ventricular dysplasia, familial, 13; ARRHYTHMOGENIC RIGHT VENTRICULAR CARDIOMYOPATHY 13. Identifiers: MedGen C3810138, MONDO:0000908, OMIM 615616.

Submission:

Labcorp Genetics (formerly Invitae), Labcorp
Classification: Uncertain significance for Arrhythmogenic right ventricular dysplasia 13. Last evaluated: 2025-07-20. Review status: criteria provided, single submitter. Criteria: Invitae Variant Classification Sherloc (09022015). Collection method: clinical testing. Allele origin: germline.
Comment: This sequence change replaces cysteine, which is neutral and slightly polar, with glycine, which is neutral and non-polar, at codon 225 of the CTNNA3 protein (p.Cys225Gly). This variant is not present in population databases (gnomAD no frequency). This variant has not been reported in the literature in individuals affected with CTNNA3-related conditions. Invitae Evidence Modeling of protein sequence and biophysical properties (such as structural, functional, and spatial information, amino acid conservation, physicochemical variation, residue mobility, and thermodynamic stability) indicates that this missense variant is not expected to disrupt CTNNA3 protein function with a negative predictive value of 80%. In summary, the available evidence is currently insufficient to determine the role of this variant in disease. Therefore, it has been classified as a Variant of Uncertain Significance.